The following is an entry in ClinVar:

NM_002772.3(TMPRSS15):c.497-2A>G

Gene: TMPRSS15 (transmembrane serine protease 15; minus strand). Cytogenetic location: 21q21.1.
Variant type: single nucleotide variant.
Coding change: c.497-2A>G on transcript NM_002772.3 (MANE Select); the canonical splice acceptor site of the intron before coding-DNA position 497, A replaced by G.
Molecular consequence: splice acceptor variant.
Genome position (GRCh38, 1-based): chr21:18,379,320, T>C on the plus strand (A>G on the coding strand, the complement: TMPRSS15 is on the minus strand). VCF-style: chr21-18379320-T-C. GRCh37 (hg19) VCF-style: chr21-19751637-T-C.
Identifiers: ClinVar variation 2806137 (VCV002806137.3), dbSNP rs2516804323, ClinGen allele CA409852783.

ClinVar aggregate classification (germline): Likely pathogenic (1 of 4 stars; one submission).

Allele frequency attached by ClinVar (database versions not stated): gnomAD 0.00001.

Submission:

Labcorp Genetics (formerly Invitae), Labcorp
Classification: Likely pathogenic. Last evaluated: 2023-08-11. Review status: criteria provided, single submitter. Criteria: Invitae Variant Classification Sherloc (09022015). Collection method: clinical testing. Allele origin: germline.
Comment: This sequence change affects an acceptor splice site in intron 4 of the TMPRSS15 gene. It is expected to disrupt RNA splicing. Variants that disrupt the donor or acceptor splice site typically lead to a loss of protein function (PMID: 16199547), and loss-of-function variants in TMPRSS15 are known to be pathogenic (PMID: 11719902). This variant is not present in population databases (gnomAD no frequency). This variant has not been reported in the literature in individuals affected with TMPRSS15-related conditions. Algorithms developed to predict the effect of sequence changes on RNA splicing suggest that this variant may disrupt the consensus splice site. In summary, the currently available evidence indicates that the variant is pathogenic, but additional data are needed to prove that conclusively. Therefore, this variant has been classified as Likely Pathogenic.

Literature cited by the submitters: PubMed 16199547; PubMed 11719902.